The following is an entry in ClinVar:

ClinVar aggregate classification (germline): Benign/Likely benign. Review status: criteria provided, multiple submitters, no conflicts (2 of 4 stars). 4 submissions from 4 submitters: Benign (1); Likely benign (2). 1 of the submissions does not count toward it. Last evaluated 2026-01-09.

Conditions:
Multiple congenital anomalies-hypotonia-seizures syndrome 1 (MCAHS1). Also called: PIGN-CDG; Congenital disorder of glycosylation due to PIGN deficiency; GLYCOSYLPHOSPHATIDYLINOSITOL BIOSYNTHESIS DEFECT 3. Identifiers: Orphanet 280633, MedGen C3279775, MONDO:0013563, OMIM 614080.
PIGN-related disorder. Also called: PIGN-related condition.

Allele frequency attached by ClinVar (database versions not stated): gnomAD exomes 0.00003 and 0.00024; ExAC 0.00004; gnomAD 0.00005; TOPMed 0.00015.
gnomAD v4.1: 52 of 1,536,014 alleles (0.0034%); highest among the groups gnomAD compares: Admixed American, 0.1%; no homozygotes.

Submissions (4):

Labcorp Genetics (formerly Invitae), Labcorp
Classification: Likely benign for Multiple congenital anomalies-hypotonia-seizures syndrome 1. Last evaluated: 2026-01-09. Review status: criteria provided, single submitter. Criteria: Invitae Variant Classification Sherloc (09022015). Collection method: clinical testing. Allele origin: germline.

ARUP Laboratories, Molecular Genetics and Genomics, ARUP Laboratories
Classification: Benign for Multiple congenital anomalies-hypotonia-seizures syndrome 1. Last evaluated: 2024-11-22. Review status: criteria provided, single submitter. Criteria: ARUP Molecular Germline Variant Investigation Process 2024. Collection method: clinical testing. Allele origin: germline.

GeneDx
Classification: Likely benign. Last evaluated: 2021-02-09. Review status: criteria provided, single submitter. Criteria: GeneDx Variant Classification Process June 2021. Collection method: clinical testing. Allele origin: germline. Affected: yes.

PreventionGenetics, part of Exact Sciences
Classification: Likely benign for PIGN-related condition. Last evaluated: 2021-09-07. Review status: no assertion criteria provided. Collection method: clinical testing. Allele origin: germline. Not counted in ClinVar's aggregate classification.
Comment: This variant is classified as likely benign based on ACMG/AMP sequence variant interpretation guidelines (Richards et al. 2015 PMID: 25741868, with internal and published modifications).

NM_176787.5(PIGN):c.1117-5C>T

Gene: PIGN (phosphatidylinositol glycan anchor biosynthesis class N; minus strand). Cytogenetic location: 18q21.33.
Variant type: single nucleotide variant.
Coding change: c.1117-5C>T on transcript NM_176787.5 (MANE Select); 5 bases into the intron before coding-DNA position 1117, C replaced by T.
Molecular consequence: intron variant.
Genome position (GRCh38, 1-based): chr18:62,138,303, G>A on the plus strand (C>T on the coding strand, the complement: PIGN is on the minus strand). VCF-style: chr18-62138303-G-A. GRCh37 (hg19) VCF-style: chr18-59805536-G-A.
Other names: c.1117-5C>T (NM_012327.6).
Identifiers: ClinVar variation 472206 (VCV000472206.17), dbSNP rs747229315, ClinGen allele CA8982380.